The following is an entry in ClinVar:

NM_002230.4(JUP):c.1924+14G>T

Gene: JUP (junction plakoglobin; minus strand). Cytogenetic location: 17q21.2.
Variant type: single nucleotide variant.
Coding change: c.1924+14G>T on transcript NM_002230.4 (MANE Select); 14 bases into the intron after coding-DNA position 1924, G replaced by T.
Molecular consequence: intron variant.
Genome position (GRCh38, 1-based): chr17:41,757,620, C>A on the plus strand (G>T on the coding strand, the complement: JUP is on the minus strand). VCF-style: chr17-41757620-C-A. GRCh37 (hg19) VCF-style: chr17-39913872-C-A.
Other names: c.1924+14G>T (NM_001352774.2, NM_021991.4, NM_001352776.2 and 3 more transcripts).
Identifiers: ClinVar variation 381758 (VCV000381758.8), dbSNP rs201959663, ClinGen allele CA16607579.

ClinVar aggregate classification (germline): Likely benign. Review status: criteria provided, multiple submitters, no conflicts (2 of 4 stars). 2 submissions from 2 submitters: Likely benign (2). Last evaluated 2025-10-03.

Conditions:
Arrhythmogenic right ventricular dysplasia 12. Also called: ARRHYTHMOGENIC RIGHT VENTRICULAR DYSPLASIA, FAMILIAL, 12. Identifiers: MedGen C1969081, MONDO:0012684, OMIM 611528.
Naxos disease (NXD). Also called: WOOLLY HAIR, PALMOPLANTAR KERATODERMA, AND CARDIAC ABNORMALITIES; CARDIOMYOPATHY, ARRHYTHMOGENIC RIGHT VENTRICULAR, WITH SKIN, HAIR, AND NAIL ABNORMALITIES; PALMOPLANTAR KERATODERMA WITH ARRHYTHMOGENIC RIGHT VENTRICULAR CARDIOMYOPATHY AND WOOLLY HAIR; KERATOSIS PALMOPLANTARIS WITH ARRHYTHMOGENIC CARDIOMYOPATHY; MAL DE NAXOS. Identifiers: Orphanet 34217, MedGen C1832600, MONDO:0011017, OMIM 601214.

Allele frequency attached by ClinVar (database versions not stated): gnomAD exomes below 0.00001; gnomAD 0.00001; TOPMed 0.00001.
gnomAD v4.1: 41 of 1,613,708 alleles (0.0025%); highest among the groups gnomAD compares: Non-Finnish European, 0.0032%; no homozygotes.

Submissions (2):

Labcorp Genetics (formerly Invitae), Labcorp
Classification: Likely benign for Arrhythmogenic right ventricular dysplasia 12; Naxos disease. Last evaluated: 2025-10-03. Review status: criteria provided, single submitter. Criteria: Invitae Variant Classification Sherloc (09022015). Collection method: clinical testing. Allele origin: germline.

GeneDx
Classification: Likely benign. Last evaluated: 2017-04-06. Review status: criteria provided, single submitter. Criteria: GeneDx Variant Classification (06012015). Collection method: clinical testing. Allele origin: germline. Affected: yes.
Comment: This variant is considered likely benign or benign based on one or more of the following criteria: it is a conservative change, it occurs at a poorly conserved position in the protein, it is predicted to be benign by multiple in silico algorithms, and/or has population frequency not consistent with disease.